The following is an entry in ClinVar:

NM_000551.4(VHL):c.88G>C (p.Gly30Arg)

Gene: VHL (von Hippel-Lindau tumor suppressor; plus strand). Cytogenetic location: 3p25.3.
Variant type: single nucleotide variant.
Coding change: c.88G>C on transcript NM_000551.4 (MANE Select); coding-DNA position 88, G replaced by C.
Protein change: p.Gly30Arg; replaces glycine 30 with arginine.
Molecular consequence: missense variant.
Genome position (GRCh38, 1-based): chr3:10,141,935, G>C. VCF-style: chr3-10141935-G-C. GRCh37 (hg19) VCF-style: chr3-10183619-G-C.
Other names: c.88G>C, p.Gly30Arg (NM_001354723.2, NM_198156.3); short protein forms G30R.
Identifiers: ClinVar variation 1047144 (VCV001047144.12), dbSNP rs913104799, ClinGen allele CA351747563.

ClinVar aggregate classification (germline): Conflicting classifications of pathogenicity. Review status: criteria provided, conflicting classifications (1 of 4 stars). 5 submissions from 5 submitters: Uncertain significance (4); Likely benign (1). Last evaluated 2025-08-08.

Conditions:
Hereditary cancer-predisposing syndrome. Also called: Hereditary neoplastic syndrome; Neoplastic Syndromes, Hereditary; Tumor predisposition; Hereditary Cancer Syndrome. Identifiers: Orphanet 140162, MedGen C0027672, MeSH D009386, MONDO:0015356.
Von Hippel-Lindau syndrome (VHLS). Also called: Von Hippel-Lindau; von Hippel–Lindau syndrome; VHL syndrome. Identifiers: Orphanet 892, MedGen C0019562, MONDO:0008667, OMIM 193300. Disease mechanism: loss of function.
Pheochromocytoma. Also called: MAX-Related Hereditary Paraganglioma-Pheochromocytoma Syndrome. Identifiers: Orphanet 29072, MedGen C0031511, MONDO:0008233, OMIM 171300, HP:0002666.
Chuvash polycythemia. Also called: POLYCYTHEMIA, VHL-DEPENDENT. Identifiers: Orphanet 238557, MedGen C1837915, MONDO:0009892, OMIM 263400.
Nonpapillary renal cell carcinoma. Identifiers: Orphanet 422526, MedGen CN074294, MONDO:0007763, OMIM 144700.

Allele frequency attached by ClinVar (database versions not stated): TOPMed 0.00002.

Submissions (5):

Color Diagnostics, LLC DBA Color Health
Classification: Uncertain significance for Von Hippel-Lindau syndrome. Last evaluated: 2025-08-08. Review status: criteria provided, single submitter. Criteria: ACMG Guidelines, 2015. Collection method: clinical testing. Allele origin: germline.
Comment: This missense variant replaces glycine with arginine at codon 30 of the VHL protein. Computational prediction suggests that this variant may not impact protein structure and function. To our knowledge, functional studies have not been reported for this variant. This variant has not been reported in individuals affected with VHL-related disorders in the literature. This variant has not been identified in the general population by the Genome Aggregation Database (gnomAD). The available evidence is insufficient to determine the role of this variant in disease conclusively. Therefore, this variant is classified as a Variant of Uncertain Significance.

Labcorp Genetics (formerly Invitae), Labcorp
Classification: Uncertain significance for Von Hippel-Lindau syndrome; Chuvash polycythemia. Last evaluated: 2025-07-14. Review status: criteria provided, single submitter. Criteria: Invitae Variant Classification Sherloc (09022015). Collection method: clinical testing. Allele origin: germline.
Comment: This sequence change replaces glycine, which is neutral and non-polar, with arginine, which is basic and polar, at codon 30 of the VHL protein (p.Gly30Arg). This variant is not present in population databases (gnomAD no frequency). This variant has not been reported in the literature in individuals affected with VHL-related conditions. ClinVar contains an entry for this variant (Variation ID: 1047144). An algorithm developed to predict the effect of missense changes on protein structure and function outputs the following: PolyPhen-2: "Benign". The arginine amino acid residue is found in multiple mammalian species, which suggests that this missense change does not adversely affect protein function. In summary, the available evidence is currently insufficient to determine the role of this variant in disease. Therefore, it has been classified as a Variant of Uncertain Significance.

All of Us Research Program, National Institutes of Health
Classification: Uncertain significance for Von Hippel-Lindau syndrome. Last evaluated: 2023-02-24. Review status: criteria provided, single submitter. Criteria: ACMG Guidelines, 2015. Collection method: clinical testing. Allele origin: germline. Inheritance: Autosomal dominant inheritance. Observed: 1 variant allele, 1 heterozygote.
Comment: This missense variant replaces glycine with arginine at codon 30 of the VHL protein. Computational prediction suggests that this variant may not impact protein structure and function (internally defined REVEL score threshold <= 0.5, PMID: 27666373). To our knowledge, functional studies have not been reported for this variant. This variant has not been reported in individuals affected with VHL-related disorders in the literature. This variant has not been identified in the general population by the Genome Aggregation Database (gnomAD). The available evidence is insufficient to determine the role of this variant in disease conclusively. Therefore, this variant is classified as a Variant of Uncertain Significance.

This study involves interpretation of variants in research participants for the purpose of population health screening. Participant phenotype was not available at the time of variant classification. Additional details can be found in publication PMID: 35346344, PMCID: PMC8962531

Fulgent Genetics
Classification: Uncertain significance for Nonpapillary renal cell carcinoma; Pheochromocytoma; Von Hippel-Lindau syndrome; Chuvash polycythemia. Last evaluated: 2021-09-07. Review status: criteria provided, single submitter. Criteria: ACMG Guidelines, 2015. Collection method: clinical testing. Allele origin: unknown.

Ambry Genetics
Classification: Likely benign for Hereditary cancer-predisposing syndrome. Last evaluated: 2020-06-15. Review status: criteria provided, single submitter. Criteria: Ambry Variant Classification Scheme 2023. Collection method: clinical testing. Allele origin: germline.